The following is an entry in ClinVar:

NM_001365792.1(DAB1):c.1632del (p.Ser545fs)

Gene: DAB1 (DAB adaptor protein 1; minus strand). Cytogenetic location: 1p32.2.
Variant type: Deletion.
Coding change: c.1632del on transcript NM_001365792.1 (MANE Select); coding-DNA position 1632, one base deleted (C; older notation c.1632delC).
Protein change: p.Ser545fs; shifts the reading frame from serine 545.
Molecular consequence: frameshift variant.
Genome position (GRCh38, 1-based): chr1:57,010,731, G deleted on the plus strand (C on the coding strand, the reverse complement: DAB1 is on the minus strand); the first of 3 consecutive G bases (chr1:57,010,731-57,010,733); deleting any one gives the same sequence. VCF-style (leftmost placement, unchanged base first): chr1-57010730-TG-T. GRCh37 (hg19) VCF-style: chr1-57476403-TG-T.
Other names: c.1632del, p.Ser545fs (NM_001353983.2, NM_001353985.2, NM_001365793.1 and 2 more transcripts); c.1626del, p.Ser543fs (NM_001353986.2, NM_001379461.1); short protein forms S543fs, S545fs.
Identifiers: ClinVar variation 4980836 (VCV004980836.1).
Genomic context (GRCh38, chr1:57,010,730, plus strand): 5'-AGATACCTACCCAGACCTGCGCTATCTAGCTACCGGCCTGTGGACTTATATTATCACCAC[TG>T]GGCTCCCCACTGGGCTCACCAAATGGATCACTGTTGGATGAGGCCTGTGATCCATCAGGC-3'

ClinVar aggregate classification (germline): Uncertain significance (1 of 4 stars; one submission).

Conditions:
DAB1-related disorder. Also called: DAB1-related condition.

Submission:

PreventionGenetics, part of Exact Sciences
Classification: Uncertain significance for DAB1-related condition. Last evaluated: 2025-09-18. Review status: criteria provided, single submitter. Criteria: ACMG Guidelines, 2015. Collection method: clinical testing. Allele origin: germline.
Comment: The DAB1 c.1632delC variant is predicted to result in a frameshift and premature protein termination (p.Ser545Valfs*5). To our knowledge, this variant has not been reported in the literature. This variant is reported in 0.0089% of alleles in individuals of Latino descent in gnomAD. At this time, the clinical significance of this variant is uncertain due to the absence of conclusive functional and genetic evidence.